The following is an entry in ClinVar:

ClinVar aggregate classification (germline): Conflicting classifications of pathogenicity. Review status: criteria provided, conflicting classifications (1 of 4 stars). 3 submissions from 3 submitters: Likely pathogenic (1); Uncertain significance (2). Last evaluated 2026-06-24.

Conditions:
Hereditary cancer-predisposing syndrome. Also called: Tumor predisposition; Hereditary Cancer Syndrome; Hereditary neoplastic syndrome; Neoplastic Syndromes, Hereditary. Identifiers: Orphanet 140162, MedGen C0027672, MeSH D009386, MONDO:0015356.
Ataxia-telangiectasia syndrome (AT). Also called: Ataxia-telangiectasia, complementation group D; AT, COMPLEMENTATION GROUP C; Ataxia-telangiectasia; ATAXIA-TELANGIECTASIA, COMPLEMENTATION GROUP A; ATAXIA-TELANGIECTASIA, FRESNO VARIANT; Ataxia-telangiectasia, complementation group E. Identifiers: Orphanet 100, MedGen C0004135, MONDO:0008840, OMIM 208900.
Familial cancer of breast. Also called: Hereditary breast cancer; BREAST CANCER, FAMILIAL; hereditary breast carcinoma. Identifiers: Orphanet 227535, MedGen C0346153, MONDO:0016419, OMIM 114480. Disease mechanism: loss of function.

gnomAD v4.1: 1 of 1,613,694 alleles (0.000062%); highest among the groups gnomAD compares: Admixed American, 0.0017%; no homozygotes.

Submissions (3):

Myriad Genetics, Inc.
Classification: Likely pathogenic for Familial cancer of breast. Last evaluated: 2026-06-24. Review status: criteria provided, single submitter. Criteria: Myriad Autosomal Dominant, Autosomal Recessive and X-Linked Classification Criteria (2023). Collection method: clinical testing. Allele origin: unknown.
Comment: This variant is considered likely pathogenic. Functional studies indicate this variant impacts protein function [PMID: 40580951]. This variant has been reported in an individual with clinical features of gene-specific disease [PMID: 21665257].

Ambry Genetics
Classification: Uncertain significance for Hereditary cancer-predisposing syndrome. Last evaluated: 2025-05-14. Review status: criteria provided, single submitter. Criteria: Ambry Variant Classification Scheme 2023. Collection method: clinical testing. Allele origin: germline.
Comment: The c.4909G>C variant (also known as p.D1637H), located in coding exon 31 of the ATM gene, results from a G to C substitution at nucleotide position 4909. The amino acid change results in aspartic acid to histidine at codon 1637, an amino acid with similar properties. However, this change occurs in the last base pair of coding exon 31, which makes it likely to have some effect on normal mRNA splicing. This nucleotide position is highly conserved in available vertebrate species. In silico splice site analysis predicts that this alteration will weaken the native splice donor site; however, direct evidence is insufficient at this time (Ambry internal data). Based on the available evidence, the clinical significance of this variant remains unclear.

Labcorp Genetics (formerly Invitae), Labcorp
Classification: Uncertain significance for Ataxia-telangiectasia syndrome. Last evaluated: 2022-07-01. Review status: criteria provided, single submitter. Criteria: Invitae Variant Classification Sherloc (09022015). Collection method: clinical testing. Allele origin: germline.
Comment: Algorithms developed to predict the effect of missense changes on protein structure and function (SIFT, PolyPhen-2, Align-GVGD) all suggest that this variant is likely to be tolerated. This missense change has been observed in individual(s) with ataxia-telangiectasia (PMID: 21665257). This variant is present in population databases (no rsID available, gnomAD 0.003%). This sequence change replaces aspartic acid, which is acidic and polar, with histidine, which is basic and polar, at codon 1637 of the ATM protein (p.Asp1637His). This variant also falls at the last nucleotide of exon 32, which is part of the consensus splice site for this exon. Variants that disrupt the consensus splice site are a relatively common cause of aberrant splicing (PMID: 17576681, 9536098). Algorithms developed to predict the effect of sequence changes on RNA splicing suggest that this variant may disrupt the consensus splice site. In summary, the available evidence is currently insufficient to determine the role of this variant in disease. Therefore, it has been classified as a Variant of Uncertain Significance.

Literature cited by the submitters: PubMed 40580951 (cited by Myriad Genetics, Inc.); PubMed 21665257 (cited by Myriad Genetics, Inc. and Labcorp Genetics (formerly Invitae), Labcorp); PubMed 17576681 (cited by Labcorp Genetics (formerly Invitae), Labcorp); PubMed 9536098 (cited by Labcorp Genetics (formerly Invitae), Labcorp).

NM_000051.4(ATM):c.4909G>C (p.Asp1637His)

Gene: ATM (ATM serine/threonine kinase; plus strand). Cytogenetic location: 11q22.3.
Variant type: single nucleotide variant.
Coding change: c.4909G>C on transcript NM_000051.4 (MANE Select); coding-DNA position 4909, G replaced by C.
Protein change: p.Asp1637His; replaces aspartic acid 1637 with histidine.
Molecular consequence: missense variant.
Genome position (GRCh38, 1-based): chr11:108,295,059, G>C. VCF-style: chr11-108295059-G-C. GRCh37 (hg19) VCF-style: chr11-108165786-G-C.
Other names: c.4909G>C, p.Asp1637His (NM_001351834.2); short protein forms D1637H.
Identifiers: ClinVar variation 2418982 (VCV002418982.7), dbSNP rs753870656, ClinGen allele CA382537326.
Genomic context (GRCh38, chr11:108,295,059, plus strand): 5'-CTTCGAAGACAACTGGAACTACATAAAGATCAGATGGTGGACATTATGAGAGCTTCTCAG[G>C]GTGCTAATTTTAAATGACATGGGCTATTTCTACCTGTTTCTTTTTGAAAGAATATTTTGC-3'
Protein context (NP_000042.3, residues 1627-1647): QMVDIMRASQ[Asp1637His]NPQDGIMVKL